The following is an entry in ClinVar:

NM_001330260.2(SCN8A):c.1880C>T (p.Ser627Leu)

Gene: SCN8A (sodium voltage-gated channel alpha subunit 8; plus strand). Cytogenetic location: 12q13.13.
Variant type: single nucleotide variant.
Coding change: c.1880C>T on transcript NM_001330260.2 (MANE Select); coding-DNA position 1880, C replaced by T.
Protein change: p.Ser627Leu; replaces serine 627 with leucine.
Molecular consequence: missense variant.
Genome position (GRCh38, 1-based): chr12:51,721,790, C>T. VCF-style: chr12-51721790-C-T. GRCh37 (hg19) VCF-style: chr12-52115574-C-T.
Other names: c.1880C>T, p.Ser627Leu (NM_001177984.3, NM_001369788.1, NM_014191.4); short protein forms S627L.
Identifiers: ClinVar variation 436671 (VCV000436671.15), dbSNP rs1198276041, ClinGen allele CA385229785.

ClinVar aggregate classification (germline): Conflicting classifications of pathogenicity. Review status: criteria provided, conflicting classifications (1 of 4 stars). 3 submissions from 3 submitters: Uncertain significance (2); Likely benign (1). Last evaluated 2024-10-23.

Conditions:
Early-infantile DEE. Also called: Early infantile epileptic encephalopathy; Ohtahara syndrome; Early infantile epileptic encephalopathy with suppression bursts. Identifiers: Orphanet 1934, MedGen C0393706, MONDO:0800491.

Allele frequency attached by ClinVar (database versions not stated): gnomAD exomes below 0.00001; TOPMed below 0.00001; gnomAD 0.00001.
gnomAD v4.1: 3 of 1,610,220 alleles (0.00019%); highest among the groups gnomAD compares: Non-Finnish European, 0.00025%; no homozygotes.

Submissions (3):

Labcorp Genetics (formerly Invitae), Labcorp
Classification: Uncertain significance for Early-infantile DEE. Last evaluated: 2024-10-23. Review status: criteria provided, single submitter. Criteria: Invitae Variant Classification Sherloc (09022015). Collection method: clinical testing. Allele origin: germline.
Comment: This sequence change replaces serine, which is neutral and polar, with leucine, which is neutral and non-polar, at codon 627 of the SCN8A protein (p.Ser627Leu). This variant is not present in population databases (gnomAD no frequency). This variant has not been reported in the literature in individuals affected with SCN8A-related conditions. ClinVar contains an entry for this variant (Variation ID: 436671). Invitae Evidence Modeling of protein sequence and biophysical properties (such as structural, functional, and spatial information, amino acid conservation, physicochemical variation, residue mobility, and thermodynamic stability) has been performed for this missense variant. However, the output from this modeling did not meet the statistical confidence thresholds required to predict the impact of this variant on SCN8A protein function. In summary, the available evidence is currently insufficient to determine the role of this variant in disease. Therefore, it has been classified as a Variant of Uncertain Significance.

GeneDx
Classification: Uncertain significance. Last evaluated: 2023-01-13. Review status: criteria provided, single submitter. Criteria: GeneDx Variant Classification Process June 2021. Collection method: clinical testing. Allele origin: germline. Affected: yes.
Comment: Not observed at significant frequency in large population cohorts (gnomAD); Missense variants in this gene are often considered pathogenic (HGMD); In silico analysis supports that this missense variant has a deleterious effect on protein structure/function; Has not been previously published as pathogenic or benign to our knowledge; This substitution is predicted to be within the cytoplasmic loop between the first and second homologous domains

Genetic Services Laboratory, University of Chicago
Classification: Likely benign. Last evaluated: 2017-01-03. Review status: criteria provided, single submitter. Criteria: ACMG Guidelines, 2015. Collection method: clinical testing. Allele origin: germline. Affected: no.